The following is an entry in ClinVar:

NM_000228.3(LAMB3):c.1357del (p.Cys453fs)

Gene: LAMB3 (laminin subunit beta 3; minus strand). Cytogenetic location: 1q32.2.
Variant type: Deletion.
Coding change: c.1357del on transcript NM_000228.3 (MANE Select); coding-DNA position 1357, one base deleted (T; older notation c.1357delT).
Protein change: p.Cys453fs; shifts the reading frame from cysteine 453.
Molecular consequence: frameshift variant.
Genome position (GRCh38, 1-based): chr1:209,627,511, A deleted on the plus strand (T on the coding strand, the reverse complement: LAMB3 is on the minus strand); the first of 3 consecutive A bases (chr1:209,627,511-209,627,513); deleting any one gives the same sequence. VCF-style (leftmost placement, unchanged base first): chr1-209627510-CA-C. GRCh37 (hg19) VCF-style: chr1-209800855-CA-C.
Other names: c.1357del, p.Cys453fs (NM_001017402.2, NM_001127641.1); short protein forms C453fs.
Identifiers: ClinVar variation 2696593 (VCV002696593.4), dbSNP rs2464831946, ClinGen allele CA2697554892.

ClinVar aggregate classification (germline): Pathogenic/Likely pathogenic. Review status: criteria provided, multiple submitters, no conflicts (2 of 4 stars). 2 submissions from 2 submitters: Pathogenic (1); Likely pathogenic (1). Last evaluated 2024-01-29.

Conditions:
Junctional epidermolysis bullosa gravis of Herlitz. Also called: Epidermolysis Bullosa Letalis; EPIDERMOLYSIS BULLOSA JUNCTIONALIS, HERLITZ TYPE; EPIDERMOLYSIS BULLOSA, JUNCTIONAL, HERLITZ-PEARSON TYPE; JEB-HERLITZ TYPE; EPIDERMOLYSIS BULLOSA, JUNCTIONAL 1B, SEVERE; Herlitz-type junctional epidermolysis bullosa. Identifiers: Orphanet 79404, MedGen C0079683, MONDO:0009182, OMIM 226700.
Junctional epidermolysis bullosa, non-Herlitz type. Also called: Adult junctional epidermolysis bullosa; COL17A1-Related Junctional Epidermolysis Bullosa; EPIDERMOLYSIS BULLOSA JUNCTIONALIS, DISENTIS TYPE; EPIDERMOLYSIS BULLOSA JUNCTIONALIS, NON-HERLITZ TYPE; EPIDERMOLYSIS BULLOSA JUNCTIONALIS, PROGRESSIVE; EPIDERMOLYSIS BULLOSA JUNCTIONALIS, SEVERE NONLETHAL. Identifiers: Orphanet 251393, Orphanet 79402, Orphanet 79405, Orphanet 89840, MedGen C0268374, MONDO:0009180, OMIM 226650.
Amelogenesis imperfecta type 1A. Also called: Amelogenesis imperfecta local hypoplastic; Amelogenesis imperfecta, hypoplastic type; Amelogenesis imperfecta, type IA; AMELOGENESIS IMPERFECTA, HYPOPLASTIC TYPE IA. Identifiers: Orphanet 88661, MedGen C4011403, MONDO:0007094, OMIM 104530.

Submissions (2):

Fulgent Genetics
Classification: Likely pathogenic for Amelogenesis imperfecta type 1A; Junctional epidermolysis bullosa, non-Herlitz type; Junctional epidermolysis bullosa gravis of Herlitz. Last evaluated: 2024-01-29. Review status: criteria provided, single submitter. Criteria: ACMG Guidelines, 2015. Collection method: clinical testing. Allele origin: germline.

Labcorp Genetics (formerly Invitae), Labcorp
Classification: Pathogenic. Last evaluated: 2024-01-03. Review status: criteria provided, single submitter. Criteria: Invitae Variant Classification Sherloc (09022015). Collection method: clinical testing. Allele origin: germline.
Comment: This sequence change creates a premature translational stop signal (p.Cys453Valfs*57) in the LAMB3 gene. It is expected to result in an absent or disrupted protein product. Loss-of-function variants in LAMB3 are known to be pathogenic (PMID: 11023379, 16473856). This variant is not present in population databases (gnomAD no frequency). This variant has not been reported in the literature in individuals affected with LAMB3-related conditions. For these reasons, this variant has been classified as Pathogenic.

Literature cited by the submitters: PubMed 11023379 (cited by Labcorp Genetics (formerly Invitae), Labcorp); PubMed 16473856 (cited by Labcorp Genetics (formerly Invitae), Labcorp).